The following is an entry in ClinVar:

NM_001276270.2(MBD4):c.356G>C (p.Arg119Thr)

Gene: MBD4 (methyl-CpG binding domain 4, DNA glycosylase; minus strand). Cytogenetic location: 3q21.3.
Variant type: single nucleotide variant.
Coding change: c.356G>C on transcript NM_001276270.2 (MANE Select); coding-DNA position 356, G replaced by C.
Protein change: p.Arg119Thr; replaces arginine 119 with threonine.
Molecular consequence: missense variant. On other transcripts: intron variant (1).
Genome position (GRCh38, 1-based): chr3:129,437,288, C>G on the plus strand (G>C on the coding strand, the complement: MBD4 is on the minus strand). VCF-style: chr3-129437288-C-G. GRCh37 (hg19) VCF-style: chr3-129156131-C-G.
Other names: c.356G>C, p.Arg119Thr (NM_001276271.2, NM_001276272.2, NM_003925.3); c.247+520G>C (NM_001276273.2); short protein forms R119T.
Identifiers: ClinVar variation 3668349 (VCV003668349.3).

ClinVar aggregate classification (germline): Uncertain significance. Review status: criteria provided, multiple submitters, no conflicts (2 of 4 stars). 2 submissions from 2 submitters: Uncertain significance (2). Last evaluated 2025-02-16.

Conditions:
Inborn genetic diseases. Identifiers: MedGen C0950123, MeSH D030342.

Submissions (2):

Ambry Genetics
Classification: Uncertain significance for Inborn genetic diseases. Last evaluated: 2025-02-16. Review status: criteria provided, single submitter. Criteria: Ambry Variant Classification Scheme 2023. Collection method: clinical testing. Allele origin: germline.
Comment: The p.R119T variant (also known as c.356G>C), located in coding exon 3 of the MBD4 gene, results from a G to C substitution at nucleotide position 356. The arginine at codon 119 is replaced by threonine, an amino acid with similar properties. This amino acid position is conserved. In addition, this alteration is predicted to be deleterious by in silico analysis. Based on the available evidence, the clinical significance of this variant remains unclear.

Labcorp Genetics (formerly Invitae), Labcorp
Classification: Uncertain significance. Last evaluated: 2024-02-02. Review status: criteria provided, single submitter. Criteria: Invitae Variant Classification Sherloc (09022015). Collection method: clinical testing. Allele origin: germline.
Comment: This sequence change replaces arginine, which is basic and polar, with threonine, which is neutral and polar, at codon 119 of the MBD4 protein (p.Arg119Thr). This variant is not present in population databases (gnomAD no frequency). This variant has not been reported in the literature in individuals affected with MBD4-related conditions. An algorithm developed to predict the effect of missense changes on protein structure and function (PolyPhen-2) suggests that this variant is likely to be disruptive. In summary, the available evidence is currently insufficient to determine the role of this variant in disease. Therefore, it has been classified as a Variant of Uncertain Significance.